The following is an entry in ClinVar:

NC_000001.10:g.(?_2337205)_(2338414_?)del

Gene: PEX10 (peroxisomal biogenesis factor 10; minus strand). Cytogenetic location: 1p36.32.
Variant type: Deletion.
Identifiers: ClinVar variation 1347847 (VCV001347847.7).

ClinVar aggregate classification (germline): Pathogenic (1 of 4 stars; one submission).

Conditions:
Peroxisome biogenesis disorder, complementation group 7 (CG7). Also called: Peroxisome biogenesis disorder, complementation group B. Identifiers: MedGen C1864399.

Submission:

Labcorp Genetics (formerly Invitae), Labcorp
Classification: Pathogenic for Peroxisome biogenesis disorder, complementation group 7. Last evaluated: 2023-09-06. Review status: criteria provided, single submitter. Criteria: Invitae Variant Classification Sherloc (09022015). Collection method: clinical testing. Allele origin: germline.
Comment: For these reasons, this variant has been classified as Pathogenic. This variant disrupts a region of the PEX10 protein in which other variant(s) (p.Arg331Gln) have been determined to be pathogenic (PMID: 20695019, 27230853). This suggests that this is a clinically significant region of the protein, and that variants that disrupt it are likely to be disease-causing. This variant has not been reported in the literature in individuals affected with PEX10-related conditions. This variant is a gross deletion of the genomic region encompassing exon(s) 4-6 of the PEX10 gene, which includes the termination codon. This deletion extends beyond the assayed region for this gene and therefore may encompass additional genes. While this deletion is not anticipated to lead to nonsense mediated decay, it is expected to alter mRNA translation or result in a truncated protein product.

Literature cited by the submitters: PubMed 20695019; PubMed 27230853.